The following is an entry in ClinVar:

ClinVar aggregate classification (germline): Uncertain significance (0 of 4 stars; one submission).

Conditions:
MKS1-related disorder. Also called: MKS1-related condition; MKS1-related disorders. Identifiers: MedGen CN239382.

Submission:

PreventionGenetics, part of Exact Sciences
Classification: Uncertain significance for MKS1-related condition. Last evaluated: 2024-03-21. Review status: no assertion criteria provided. Collection method: clinical testing. Allele origin: germline.
Comment: The MKS1 c.961T>G variant is predicted to result in the amino acid substitution p.Ser321Ala. To our knowledge, this variant has not been reported in the literature or in a large population database, indicating this variant is rare. At this time, the clinical significance of this variant is uncertain due to the absence of conclusive functional and genetic evidence.

NM_017777.4(MKS1):c.961T>G (p.Ser321Ala)

Gene: MKS1 (MKS transition zone complex subunit 1; minus strand). Cytogenetic location: 17q22.
Variant type: single nucleotide variant.
Coding change: c.961T>G on transcript NM_017777.4 (MANE Select); coding-DNA position 961, T replaced by G.
Protein change: p.Ser321Ala; replaces serine 321 with alanine.
Molecular consequence: missense variant.
Genome position (GRCh38, 1-based): chr17:58,210,722, A>C on the plus strand (T>G on the coding strand, the complement: MKS1 is on the minus strand). VCF-style: chr17-58210722-A-C. GRCh37 (hg19) VCF-style: chr17-56288083-A-C.
Other names: c.352T>G, p.Ser118Ala (NM_001321268.2); c.961T>G, p.Ser321Ala (NM_001321269.2, NM_001330397.2, NM_001411113.1); short protein forms S118A, S321A.
Identifiers: ClinVar variation 3348506 (VCV003348506.1).